The following is an entry in ClinVar:

ClinVar aggregate classification (germline): Benign (1 of 4 stars; one submission).

Conditions:
Pheochromocytoma/paraganglioma syndrome 4. Also called: CAROTID BODY TUMORS AND MULTIPLE EXTRAADRENAL PHEOCHROMOCYTOMAS; PARAGANGLIOMA, FAMILIAL MALIGNANT; PARAGANGLIOMAS, HEREDITARY EXTRAADRENAL; PHEOCHROMOCYTOMA, FAMILIAL EXTRAADRENAL; Paragangliomas 4; SDHB-Related Hereditary Paraganglioma-Pheochromocytoma Syndrome (Paragangliomas 4). Identifiers: Orphanet 29072, MedGen C1861848, MONDO:0007273, OMIM 115310.

Submission:

Myriad Genetics, Inc.
Classification: Benign for Pheochromocytoma/paraganglioma syndrome 4. Last evaluated: 2025-03-12. Review status: criteria provided, single submitter. Criteria: Myriad Autosomal Dominant, Autosomal Recessive and X-Linked Classification Criteria (2023). Collection method: clinical testing. Allele origin: unknown.
Comment: This variant is considered benign. This variant is a silent/synonymous amino acid change and it is not expected to impact splicing.

NM_003000.3(SDHB):c.18_21delinsACTG (p.Ala6_Leu7=)

Gene: SDHB (succinate dehydrogenase complex iron sulfur subunit B; minus strand). Cytogenetic location: 1p36.13.
Variant type: Indel.
Coding change: c.18_21delinsACTG on transcript NM_003000.3 (MANE Select); coding-DNA positions 18 to 21, CCTC replaced by ACTG.
Protein change: p.Ala6_Leu7=.
Molecular consequence: synonymous variant.
Genome position (GRCh38, 1-based): chr1:17,053,999-17,054,002, GAGG replaced by CAGT on the plus strand (CCTC replaced by ACTG on the coding strand, the reverse complement: SDHB is on the minus strand). VCF-style: chr1-17053999-GAGG-CAGT. GRCh37 (hg19) VCF-style: chr1-17380494-GAGG-CAGT.
Other names: c.18_21delinsACTG, p.Ala6_Leu7= (NM_001407361.1).
Identifiers: ClinVar variation 3904389 (VCV003904389.1).